The following is an entry in ClinVar:

ClinVar aggregate classification (germline): Uncertain significance. Review status: criteria provided, multiple submitters, no conflicts (2 of 4 stars). 3 submissions from 3 submitters: Uncertain significance (3). Last evaluated 2025-08-17.

Conditions:
Familial adenomatous polyposis 1 (FAP1). Also called: FAMILIAL ADENOMATOUS POLYPOSIS 1, ATTENUATED; POLYPOSIS, ADENOMATOUS INTESTINAL. Identifiers: MedGen C2713442, MONDO:0021056, OMIM 175100. Disease mechanism: loss of function.
Hereditary cancer-predisposing syndrome. Also called: Tumor predisposition; Hereditary Cancer Syndrome; Hereditary neoplastic syndrome; Neoplastic Syndromes, Hereditary. Identifiers: Orphanet 140162, MedGen C0027672, MeSH D009386, MONDO:0015356.

Submissions (3):

Labcorp Genetics (formerly Invitae), Labcorp
Classification: Uncertain significance for Familial adenomatous polyposis 1. Last evaluated: 2025-08-17. Review status: criteria provided, single submitter. Criteria: Invitae Variant Classification Sherloc (09022015). Collection method: clinical testing. Allele origin: germline.
Comment: This sequence change replaces phenylalanine, which is neutral and non-polar, with leucine, which is neutral and non-polar, at codon 1933 of the APC protein (p.Phe1933Leu). This variant is not present in population databases (gnomAD no frequency). This variant has not been reported in the literature in individuals affected with APC-related conditions. ClinVar contains an entry for this variant (Variation ID: 1444183). Invitae Evidence Modeling of protein sequence and biophysical properties (such as structural, functional, and spatial information, amino acid conservation, physicochemical variation, residue mobility, and thermodynamic stability) indicates that this missense variant is not expected to disrupt APC protein function with a negative predictive value of 95%. In summary, the available evidence is currently insufficient to determine the role of this variant in disease. Therefore, it has been classified as a Variant of Uncertain Significance.

Color Diagnostics, LLC DBA Color Health
Classification: Uncertain significance for Hereditary cancer-predisposing syndrome. Last evaluated: 2025-07-14. Review status: criteria provided, single submitter. Criteria: ACMG Guidelines, 2015. Collection method: clinical testing. Allele origin: germline.
Comment: This missense variant replaces phenylalanine with leucine at codon 1933 of the APC protein. Computational prediction suggests that this variant may not impact protein structure and function. To our knowledge, functional studies have not been reported for this variant. This variant has not been reported in individuals affected with APC-related disorders in the literature. This variant has not been identified in the general population by the Genome Aggregation Database (gnomAD). The available evidence is insufficient to determine the role of this variant in disease conclusively. Therefore, this variant is classified as a Variant of Uncertain Significance.

Ambry Genetics
Classification: Uncertain significance for Hereditary cancer-predisposing syndrome. Last evaluated: 2024-03-14. Review status: criteria provided, single submitter. Criteria: Ambry Variant Classification Scheme 2023. Collection method: clinical testing. Allele origin: germline.
Comment: The p.F1933L variant (also known as c.5797T>C), located in coding exon 15 of the APC gene, results from a T to C substitution at nucleotide position 5797. The phenylalanine at codon 1933 is replaced by leucine, an amino acid with highly similar properties. This amino acid position is conserved. In addition, in silico predictors for this gene do not accurately predict pathogenicity. Based on the available evidence, the clinical significance of this alteration remains unclear.

NM_000038.6(APC):c.5797T>C (p.Phe1933Leu)

Gene: APC (APC regulator of Wnt signaling pathway; plus strand). Cytogenetic location: 5q22.2.
Variant type: single nucleotide variant.
Coding change: c.5797T>C on transcript NM_000038.6 (MANE Select); coding-DNA position 5797, T replaced by C.
Protein change: p.Phe1933Leu; replaces phenylalanine 1933 with leucine.
Molecular consequence: missense variant.
Genome position (GRCh38, 1-based): chr5:112,841,391, T>C. VCF-style: chr5-112841391-T-C. GRCh37 (hg19) VCF-style: chr5-112177088-T-C.
Other names: c.5797T>C (NM_000038.5); c.5797T>C, p.Phe1933Leu (NM_001127510.3, NM_001354895.2); c.5743T>C, p.Phe1915Leu (NM_001127511.3); c.5851T>C, p.Phe1951Leu (NM_001354896.2); c.5827T>C, p.Phe1943Leu (NM_001354897.2); c.5722T>C, p.Phe1908Leu (NM_001354898.2); c.5713T>C, p.Phe1905Leu (NM_001354899.2); c.5674T>C, p.Phe1892Leu (NM_001354900.2); and 6 more; short protein forms F1807L, F1832L, F1842L, F1905L, F1933L, F1943L, F1650L, F1908L.
Identifiers: ClinVar variation 1444183 (VCV001444183.9), dbSNP rs2149949453, ClinGen allele CA16034013.
Genomic context (GRCh38, chr5:112,841,391, plus strand): 5'-ATTGCAAAGCAGCCAATAAATCGAGGTCAGCCTAAACCCATACTTCAGAAACAATCCACT[T>C]TTCCCCAGTCATCCAAAGACATACCAGACAGAGGGGCAGCAACTGATGAAAAGTTACAGA-3'
Protein context (NP_000029.2, residues 1923-1943): PKPILQKQST[Phe1933Leu]PQSSKDIPDR